The following is an entry in ClinVar:

NM_001079866.2(BCS1L):c.170A>G (p.Asp57Gly)

Gene: BCS1L (BCS1 ubiquinol-cytochrome c reductase complex chaperone; plus strand). Cytogenetic location: 2q35.
Variant type: single nucleotide variant.
Coding change: c.170A>G on transcript NM_001079866.2 (MANE Select); coding-DNA position 170, A replaced by G.
Protein change: p.Asp57Gly; replaces aspartic acid 57 with glycine.
Molecular consequence: missense variant. On other transcripts: 5 prime UTR variant (5), non-coding transcript variant (1), intron variant (3).
Genome position (GRCh38, 1-based): chr2:218,661,157, A>G. VCF-style: chr2-218661157-A-G. GRCh37 (hg19) VCF-style: chr2-219525880-A-G.
Other names: c.170A>G, p.Asp57Gly (NM_001257342.2, NM_001257343.2, NM_001257344.2 and 10 more transcripts); c.-307A>G (NM_001371453.1, NM_001371454.1, NM_001371455.1 and 2 more transcripts); c.-40-249A>G (NM_001371451.1, NM_001318836.2); c.-41-602A>G (NM_001371452.1); short protein forms D57G.
Identifiers: ClinVar variation 1805608 (VCV001805608.2), dbSNP rs368035069, ClinGen allele CA2109613.

ClinVar aggregate classification (germline): Conflicting classifications of pathogenicity. Review status: criteria provided, conflicting classifications (1 of 4 stars). 2 submissions from 2 submitters: Likely pathogenic (1); Uncertain significance (1). Last evaluated 2024-03-20.

Conditions:
Pili torti-deafness syndrome (BJS). Also called: PILI TORTI AND NERVE DEAFNESS; Bjornstad syndrome. Identifiers: Orphanet 123, MedGen C0266006, MONDO:0009872, OMIM 262000.
GRACILE syndrome (FLNMS). Also called: FELLMAN SYNDROME; FINNISH LETHAL NEONATAL METABOLIC SYNDROME. Identifiers: Orphanet 53693, MedGen C1864002, MONDO:0011308, OMIM 603358.
Mitochondrial complex III deficiency nuclear type 1. Identifiers: Orphanet 254902, MedGen C3541471, MONDO:0007415, OMIM 124000.

Allele frequency attached by ClinVar (database versions not stated): TOPMed below 0.00001; ExAC 0.00001; gnomAD 0.00001; gnomAD exomes 0.00002; ESP Exome Variant Server 0.00015.
gnomAD v4.1: 26 of 1,614,058 alleles (0.0016%); highest among the groups gnomAD compares: Non-Finnish European, 0.0022%; no homozygotes.

Submissions (2):

Fulgent Genetics
Classification: Uncertain significance for Mitochondrial complex III deficiency nuclear type 1; Pili torti-deafness syndrome; GRACILE syndrome. Last evaluated: 2024-03-20. Review status: criteria provided, single submitter. Criteria: ACMG Guidelines, 2015. Collection method: clinical testing. Allele origin: germline.

Victorian Clinical Genetics Services, Murdoch Childrens Research Institute
Classification: Likely pathogenic for Mitochondrial complex III deficiency nuclear type 1. Last evaluated: 2022-02-02. Review status: criteria provided, single submitter. Criteria: ACMG Guidelines, 2015. Collection method: clinical testing. Allele origin: germline. Inheritance: Autosomal recessive inheritance. Affected: yes.
Comment: Based on the classification scheme VCGS_Germline_v1.3.4, this variant is classified as Likely pathogenic. Following criteria are met: 0102 - Loss of function is a known mechanism of disease in this gene and is associated with Bjornstad syndrome (MIM#262000), GRACILE syndrome (MIM#603358) and mitochondrial complex III deficiency, nuclear type (MIM#1124000). Missense variants have been reported to cause all conditions, with clinical severity dependant on the quantity and location of production of reactive oxygen species (PMID: 17314340). (I) 0106 - This gene is associated with autosomal recessive disease. (I) 0200 - Variant is predicted to result in a missense amino acid change from aspartic acid to glycine. (I) 0251 - This variant is heterozygous. (I) 0304 - Variant is present in gnomAD (v3) <0.01 for a recessive condition (1 heterozygote, 0 homozygotes). (SP) 0501 - Missense variant consistently predicted to be damaging by multiple in silico tools or highly conserved with a major amino acid change. (SP) 0600 - Variant is located in the annotated import auxiliary sequence (PMID: 31435670). (I) 0705 - No comparable missense variants have previous evidence for pathogenicity. (I) 0807 - This variant has no previous evidence of pathogenicity. (I) 0905 - No published segregation evidence has been identified for this variant. (I) 1007 - No published functional evidence has been identified for this variant. (I) 1102 - Strong phenotype match for this individual. (SP) 1201 - Heterozygous variant detected in trans with a second likely pathogenic heterozygous variant (p.(Arg69Cys)) in a recessive disease. (I) Legend: (SP) - Supporting pathogenic, (I) - Information, (SB) - Supporting benign

Literature cited by the submitters: PubMed 17314340 (cited by Victorian Clinical Genetics Services, Murdoch Childrens Research Institute); PubMed 31435670 (cited by Victorian Clinical Genetics Services, Murdoch Childrens Research Institute).